The following is an entry in ClinVar:

ClinVar aggregate classification (germline): Uncertain significance (1 of 4 stars; one submission).

Conditions:
Congenital myasthenic syndrome 8. Also called: MYASTHENIC SYNDROME, CONGENITAL, DUE TO AGRIN DEFICIENCY; Myasthenic syndrome, congenital, 8, with pre- and postsynaptic defects. Identifiers: Orphanet 590, MedGen C3808739, MONDO:0014052, OMIM 615120.

Submission:

Labcorp Genetics (formerly Invitae), Labcorp
Classification: Uncertain significance for Congenital myasthenic syndrome 8. Last evaluated: 2023-12-22. Review status: criteria provided, single submitter. Criteria: Invitae Variant Classification Sherloc (09022015). Collection method: clinical testing. Allele origin: germline.
Comment: This sequence change replaces aspartic acid, which is acidic and polar, with tyrosine, which is neutral and polar, at codon 499 of the AGRN protein (p.Asp499Tyr). This variant is not present in population databases (gnomAD no frequency). This variant has not been reported in the literature in individuals affected with AGRN-related conditions. ClinVar contains an entry for this variant (Variation ID: 1346143). An algorithm developed to predict the effect of missense changes on protein structure and function (PolyPhen-2) suggests that this variant is likely to be disruptive. In summary, the available evidence is currently insufficient to determine the role of this variant in disease. Therefore, it has been classified as a Variant of Uncertain Significance.

NM_198576.4(AGRN):c.1495G>T (p.Asp499Tyr)

Gene: AGRN (agrin; plus strand). Cytogenetic location: 1p36.33.
Variant type: single nucleotide variant.
Coding change: c.1495G>T on transcript NM_198576.4 (MANE Select); coding-DNA position 1495, G replaced by T.
Protein change: p.Asp499Tyr; replaces aspartic acid 499 with tyrosine.
Molecular consequence: missense variant.
Genome position (GRCh38, 1-based): chr1:1,043,349, G>T. VCF-style: chr1-1043349-G-T. GRCh37 (hg19) VCF-style: chr1-978729-G-T.
Other names: c.1495G>T, p.Asp499Tyr (NM_001305275.2); c.1180G>T, p.Asp394Tyr (NM_001364727.2); short protein forms D499Y, D394Y.
Identifiers: ClinVar variation 1346143 (VCV001346143.8), dbSNP rs778233185, ClinGen allele CA337831017.